The following is an entry in ClinVar:

NM_002519.3(NPAT):c.3674C>T (p.Thr1225Ile)

Gene: NPAT (nuclear protein, coactivator of histone transcription; minus strand). Cytogenetic location: 11q22.3.
Variant type: single nucleotide variant.
Coding change: c.3674C>T on transcript NM_002519.3 (MANE Select); coding-DNA position 3674, C replaced by T.
Protein change: p.Thr1225Ile; replaces threonine 1225 with isoleucine.
Molecular consequence: missense variant.
Genome position (GRCh38, 1-based): chr11:108,161,412, G>A on the plus strand (C>T on the coding strand, the complement: NPAT is on the minus strand). VCF-style: chr11-108161412-G-A. GRCh37 (hg19) VCF-style: chr11-108032139-G-A.
Other names: c.3695C>T, p.Thr1232Ile (NM_001321307.1); short protein forms T1225I, T1232I.
Identifiers: ClinVar variation 1338120 (VCV001338120.11), dbSNP rs201589987, ClinGen allele CA6263538.

ClinVar aggregate classification (germline): Uncertain significance. Review status: criteria provided, multiple submitters, no conflicts (2 of 4 stars). 3 submissions from 3 submitters: Uncertain significance (3). Last evaluated 2026-02-02.

Allele frequency attached by ClinVar (database versions not stated): gnomAD exomes 0.00008 and 0.00012; ExAC 0.00012; gnomAD 0.00015 and 0.00029; 1000 Genomes Project 0.00020; ESP Exome Variant Server 0.00025; 1000 Genomes Project 30x 0.00031; TOPMed 0.00037.
gnomAD v4.1: 218 of 1,614,154 alleles (0.014%); highest among the groups gnomAD compares: Middle Eastern, 0.016%; no homozygotes.

Submissions (3):

Labcorp Genetics (formerly Invitae), Labcorp
Classification: Uncertain significance. Last evaluated: 2026-02-02. Review status: criteria provided, single submitter. Criteria: Invitae Variant Classification Sherloc (09022015). Collection method: clinical testing. Allele origin: germline.
Comment: This sequence change replaces threonine, which is neutral and polar, with isoleucine, which is neutral and non-polar, at codon 1225 of the NPAT protein (p.Thr1225Ile). This variant is present in population databases (rs201589987, gnomAD 0.02%). This variant has not been reported in the literature in individuals affected with NPAT-related conditions. ClinVar contains an entry for this variant (Variation ID: 1338120). An algorithm developed to predict the effect of missense changes on protein structure and function (PolyPhen-2) suggests that this variant is likely to be tolerated. In summary, the available evidence is currently insufficient to determine the role of this variant in disease. Therefore, it has been classified as a Variant of Uncertain Significance.

Ambry Genetics
Classification: Uncertain significance. Last evaluated: 2025-06-24. Review status: criteria provided, single submitter. Criteria: Ambry Variant Classification Scheme 2023. Collection method: clinical testing. Allele origin: germline.

Genetic Services Laboratory, University of Chicago
Classification: Uncertain significance. Last evaluated: 2021-10-11. Review status: criteria provided, single submitter. Criteria: ACMG Guidelines, 2015. Collection method: clinical testing. Allele origin: germline. Affected: no.
Comment: This sequence change does not appear to have been previously described in individuals with NPAT-related disorders. This sequence change has been described in the gnomAD database with a frequency of 0.016% in the non-Finnish European subpopulation (dbSNP rs201589987). The p.Thr1225Ile change affects a poorly conserved amino acid residue located in a domain of the NPAT protein that is not known to be functional. The p.Thr1225Ile substitution appears to be benign using several in-silico pathogenicity prediction tools (SIFT, PolyPhen2, Align GVGD, REVEL). Due to insufficient evidence and the lack of functional studies, the clinical significance of the p.Thr1225Ile change remains unknown at this time.